The following is an entry in ClinVar:

NM_001754.5(RUNX1):c.1216dup (p.Tyr406fs)

Gene: RUNX1 (RUNX family transcription factor 1; minus strand). Cytogenetic location: 21q22.12.
Variant type: Duplication.
Coding change: c.1216dup on transcript NM_001754.5 (MANE Select); coding-DNA position 1216, one base duplicated (T; older notation c.1216dupT).
Protein change: p.Tyr406fs; shifts the reading frame from tyrosine 406.
Molecular consequence: frameshift variant.
Genome position (GRCh38, 1-based): chr21:34,792,362, A duplicated on the plus strand (T on the coding strand, the reverse complement: RUNX1 is on the minus strand). VCF-style (leftmost placement, unchanged base first): chr21-34792361-T-TA. GRCh37 (hg19) VCF-style: chr21-36164658-T-TA.
Other names: c.1135dup, p.Tyr379fs (NM_001001890.3); short protein forms Y379fs, Y406fs.
Identifiers: ClinVar variation 4886524 (VCV004886524.2).

ClinVar aggregate classification (germline): Likely pathogenic (1 of 4 stars; one submission).

Submission:

Dasa
Classification: Likely pathogenic. Last evaluated: 2025-05-16. Review status: criteria provided, single submitter. Criteria: DASA Assertion Criteria. Collection method: clinical testing. Allele origin: germline.
Comment: NM_001754.5(RUNX1):c.1216dup (p.Tyr406Leufs*194) is a frameshift variant in RUNX1 predicted to alter the reading frame and introduce a premature termination codon and is predicted to result in an absent or altered protein product. Loss of function is an established disease mechanism for RUNX1 (PMID: 31723833; PMID: 18478040; PMID: 19357396). Also, this variant is absent from population databases. Based on the currently available evidence, this variant is classified as likely pathogenic.

Literature cited by the submitters: PubMed 31723833; PubMed 18478040; PubMed 19357396.